The following is an entry in ClinVar:

ClinVar aggregate classification (germline): Uncertain significance (1 of 4 stars; one submission).

Submission:

GeneDx
Classification: Uncertain significance. Last evaluated: 2023-12-03. Review status: criteria provided, single submitter. Criteria: GeneDx Variant Classification Process June 2021. Collection method: clinical testing. Allele origin: germline. Affected: yes.
Comment: Not observed at significant frequency in large population cohorts (gnomAD); In silico analysis supports that this missense variant does not alter protein structure/function; Has not been previously published as pathogenic or benign to our knowledge; This variant is associated with the following publications: (PMID: 10939567)

NM_170707.4(LMNA):c.1832T>C (p.Ile611Thr)

Gene: LMNA (lamin A/C; plus strand). Cytogenetic location: 1q22.
Variant type: single nucleotide variant.
Coding change: c.1832T>C on transcript NM_170707.4 (MANE Select); coding-DNA position 1832, T replaced by C.
Protein change: p.Ile611Thr; replaces isoleucine 611 with threonine.
Molecular consequence: missense variant. On other transcripts: intron variant (1).
Genome position (GRCh38, 1-based): chr1:156,138,621, T>C. VCF-style: chr1-156138621-T-C. GRCh37 (hg19) VCF-style: chr1-156108412-T-C.
Other names: c.1496T>C, p.Ile499Thr (NM_001257374.3, NM_001406989.1); c.1832T>C, p.Ile611Thr (NM_001406983.1, NM_001406985.1, NM_001406991.1); c.1589T>C, p.Ile530Thr (NM_001406986.1, NM_001406987.1); c.1535T>C, p.Ile512Thr (NM_001406988.1); c.1274T>C, p.Ile425Thr (NM_001406990.1, NM_001406993.1, NM_001406995.1 and 2 more transcripts); c.1208T>C, p.Ile403Thr (NM_001406994.1, NM_001406999.1, NM_001407000.1 and 1 more transcripts); c.1742T>C, p.Ile581Thr (NM_170708.4); c.1818+14T>C (NM_001282626.2); short protein forms I403T, I425T, I499T, I512T, I530T, I581T, I611T.
Identifiers: ClinVar variation 3364806 (VCV003364806.1).
Genomic context (GRCh38, chr1:156,138,621, plus strand): 5'-GCGGGCAGCCTGCCGACAAGGCATCTGCCAGCGGCTCAGGAGCCCAGGTGGGCGGACCCA[T>C]CTCCTCTGGCTCTTCTGCCTCCAGTGTCACGGTCACTCGCAGCTACCGCAGTGTGGGGGG-3'
Protein context (NP_733821.1, residues 601-621): SGSGAQVGGP[Ile611Thr]SSGSSASSVT